The following is an entry in ClinVar:

NM_007194.4(CHEK2):c.46A>G (p.Ser16Gly)

Gene: CHEK2 (checkpoint kinase 2; minus strand). Cytogenetic location: 22q12.1.
Variant type: single nucleotide variant.
Coding change: c.46A>G on transcript NM_007194.4 (MANE Select); coding-DNA position 46, A replaced by G.
Protein change: p.Ser16Gly; replaces serine 16 with glycine.
Molecular consequence: missense variant.
Genome position (GRCh38, 1-based): chr22:28,734,676, T>C on the plus strand (A>G on the coding strand, the complement: CHEK2 is on the minus strand). VCF-style: chr22-28734676-T-C. GRCh37 (hg19) VCF-style: chr22-29130664-T-C.
Other names: c.46A>G, p.Ser16Gly (NM_001005735.3, NM_001349956.3, NM_145862.3); c.-732A>G (NM_001257387.3); short protein forms S16G.
Identifiers: ClinVar variation 923034 (VCV000923034.4), dbSNP rs1426424086, ClinGen allele CA411091897.
Genomic context (GRCh38, chr22:28,734,676, plus strand): 5'-GGGACTGTGAGGAGGAGCCTTGGGACTGGGTAACGCTGCCATGGGGCTGTGAACAGGCAC[T>C]GCTGCCATGAGACTGCTGAGCCTCAACATCCGACTCCCGAGACATCACGACCTCAAAAAG-3'
Protein context (NP_009125.1, residues 6-26): DVEAQQSHGS[Ser16Gly]ACSQPHGSVT

ClinVar aggregate classification (germline): Conflicting classifications of pathogenicity. Review status: criteria provided, conflicting classifications (1 of 4 stars). 2 submissions from 2 submitters: Uncertain significance (1); Likely benign (1). Last evaluated 2025-06-09.

Conditions:
Hereditary cancer-predisposing syndrome. Also called: Neoplastic Syndromes, Hereditary; Tumor predisposition; Hereditary Cancer Syndrome; Hereditary neoplastic syndrome. Identifiers: Orphanet 140162, MedGen C0027672, MeSH D009386, MONDO:0015356.

Submissions (2):

Ambry Genetics
Classification: Likely benign for Hereditary cancer-predisposing syndrome. Last evaluated: 2025-06-09. Review status: criteria provided, single submitter. Criteria: Ambry Variant Classification Scheme 2023. Collection method: clinical testing. Allele origin: germline.

Color Diagnostics, LLC DBA Color Health
Classification: Uncertain significance for Hereditary cancer-predisposing syndrome. Last evaluated: 2019-12-05. Review status: criteria provided, single submitter. Criteria: ACMG Guidelines, 2015. Collection method: clinical testing. Allele origin: germline.
Comment: This missense variant replaces serine with glycine at codon 16 of the CHEK2 protein. Computational prediction suggests that this variant may not impact protein structure and function (internally defined REVEL score threshold <= 0.5, PMID: 27666373). Splice site prediction tools suggest that this variant may not impact RNA splicing. To our knowledge, functional studies have not been performed for this variant. This variant has not been reported in individuals affected with hereditary cancer in the literature. This variant has not been identified in the general population by the Genome Aggregation Database (gnomAD). The available evidence is insufficient to determine the role of this variant in disease conclusively. Therefore, this variant is classified as a Variant of Uncertain Significance.